The following is an entry in ClinVar:

NM_022436.3(ABCG5):c.958A>G (p.Lys320Glu)

Genes: ABCG5 (ATP binding cassette subfamily G member 5; minus strand), DYNC2LI1 (dynein cytoplasmic 2 light intermediate chain 1; plus strand). Cytogenetic location: 2p21.
Variant type: single nucleotide variant.
Coding change: c.958A>G on transcript NM_022436.3 (MANE Select); coding-DNA position 958, A replaced by G.
Protein change: p.Lys320Glu; replaces lysine 320 with glutamic acid.
Molecular consequence: missense variant. On other transcripts: intron variant (2).
Genome position (GRCh38, 1-based): chr2:43,824,379, T>C on the plus strand (A>G on the coding strand, the complement: ABCG5 is on the minus strand). VCF-style: chr2-43824379-T-C. GRCh37 (hg19) VCF-style: chr2-44051518-T-C.
Other names: c.*16-3007T>C (NM_001348913.2, NM_001348912.2); short protein forms K320E.
Identifiers: ClinVar variation 3353552 (VCV003353552.1).
Genomic context (GRCh38, chr2:43,824,379, plus strand): 5'-TCAAAGTTTTATGACAAATTGCTGATTTCTTGTAGGCAGATTCTATCATCTGGACTCTCT[T>C]GGAGGTTTCTATTTCCCGTTCCTTGCTTTGGGTATCCACTGACGTCAGGTCCACTAAAAG-3'
Protein context (NP_071881.1, residues 310-330): QSKEREIETS[Lys320Glu]RVQMIESAYK

ClinVar aggregate classification (germline): Uncertain significance (0 of 4 stars; one submission).

Conditions:
ABCG5-related disorder. Also called: ABCG5-related condition.

gnomAD v4.1: 32 of 1,614,216 alleles (0.002%); highest among the groups gnomAD compares: Non-Finnish European, 0.0025%; no homozygotes.

Submission:

PreventionGenetics, part of Exact Sciences
Classification: Uncertain significance for ABCG5-related condition. Last evaluated: 2024-04-16. Review status: no assertion criteria provided. Collection method: clinical testing. Allele origin: germline.
Comment: The ABCG5 c.958A>G variant is predicted to result in the amino acid substitution p.Lys320Glu. To our knowledge, this variant has not been reported in the literature. This variant is reported in 0.00088% of alleles in individuals of European (Non-Finnish) descent in gnomAD. At this time, the clinical significance of this variant is uncertain due to the absence of conclusive functional and genetic evidence.